The following is an entry in ClinVar:

NM_004415.4(DSP):c.1045-1G>C

Gene: DSP (desmoplakin; plus strand). Cytogenetic location: 6p24.3.
Variant type: single nucleotide variant.
Coding change: c.1045-1G>C on transcript NM_004415.4 (MANE Select); the canonical splice acceptor site of the intron before coding-DNA position 1045, G replaced by C.
Molecular consequence: splice acceptor variant.
Genome position (GRCh38, 1-based): chr6:7,567,353, G>C. VCF-style: chr6-7567353-G-C. GRCh37 (hg19) VCF-style: chr6-7567586-G-C.
Other names: c.1045-1G>C (NM_001319034.2, NM_001008844.3, NM_001406591.1).
Identifiers: ClinVar variation 2943373 (VCV002943373.3), dbSNP rs2533879486, ClinGen allele CA362675437.
Genomic context (GRCh38, chr6:7,567,353, plus strand): 5'-TGGTGTTCATGCATCTGTACAACTGAGCTAGGCTAAGACAGCTGACATTTTCTTGTTTCA[G>C]GCCTATATGGACACTCTGCAGACGCAGTGGAGTTGGATTCTTCAGATCACCAAGTGCATT-3'

ClinVar aggregate classification (germline): Likely pathogenic (1 of 4 stars; one submission).

Conditions:
Arrhythmogenic cardiomyopathy with wooly hair and keratoderma. Also called: Arrhythmogenic cardiomyopathy with woolly hair and keratoderma; PALMOPLANTAR KERATODERMA WITH LEFT VENTRICULAR CARDIOMYOPATHY AND WOOLLY HAIR; Carvajal syndrome; Dilated cardiomyopathy with woolly hair and keratoderma. Identifiers: Orphanet 65282, MedGen C1854063, MONDO:0011581, OMIM 605676.
Arrhythmogenic right ventricular dysplasia 8 (ARVD8). Also called: Arrhythmogenic Right Ventricular Dysplasia/Cardiomyopathy 8; ARRHYTHMOGENIC RIGHT VENTRICULAR DYSPLASIA, FAMILIAL, 8; ARRHYTHMOGENIC RIGHT VENTRICULAR CARDIOMYOPATHY 8. Identifiers: MedGen C1843896, MONDO:0011831, OMIM 607450.

Submission:

Labcorp Genetics (formerly Invitae), Labcorp
Classification: Likely pathogenic for Arrhythmogenic cardiomyopathy with wooly hair and keratoderma; Arrhythmogenic right ventricular dysplasia 8. Last evaluated: 2023-01-18. Review status: criteria provided, single submitter. Criteria: Invitae Variant Classification Sherloc (09022015). Collection method: clinical testing. Allele origin: germline.
Comment: In summary, the currently available evidence indicates that the variant is pathogenic, but additional data are needed to prove that conclusively. Therefore, this variant has been classified as Likely Pathogenic. Algorithms developed to predict the effect of sequence changes on RNA splicing suggest that this variant may disrupt the consensus splice site. This variant has not been reported in the literature in individuals affected with DSP-related conditions. This variant is not present in population databases (gnomAD no frequency). This sequence change affects an acceptor splice site in intron 8 of the DSP gene. It is expected to disrupt RNA splicing. Variants that disrupt the donor or acceptor splice site typically lead to a loss of protein function (PMID: 16199547), and loss-of-function variants in DSP are known to be pathogenic (PMID: 20716751, 24503780, 25227139).

Literature cited by the submitters: PubMed 16199547; PubMed 20716751; PubMed 24503780; PubMed 25227139.